The following is an entry in ClinVar:

ClinVar aggregate classification (germline): Uncertain significance. Review status: criteria provided, multiple submitters, no conflicts (2 of 4 stars). 2 submissions from 2 submitters: Uncertain significance (2). Last evaluated 2024-10-13.

Conditions:
Myofibrillar myopathy 3 (MFM3). Also called: Autosomal dominant spheroid body myopathy; Muscular dystrophy, proximal, type 1A. Identifiers: Orphanet 266, Orphanet 268129, MedGen C3714934, MONDO:0012215, OMIM 609200.

gnomAD v4.1: 1 of 1,614,142 alleles (0.000062%); highest among the groups gnomAD compares: East Asian, 0.0022%; no homozygotes.

Submissions (2):

Labcorp Genetics (formerly Invitae), Labcorp
Classification: Uncertain significance for Myofibrillar myopathy 3. Last evaluated: 2024-10-13. Review status: criteria provided, single submitter. Criteria: Invitae Variant Classification Sherloc (09022015). Collection method: clinical testing. Allele origin: germline.
Comment: This sequence change replaces arginine, which is basic and polar, with glycine, which is neutral and non-polar, at codon 51 of the MYOT protein (p.Arg51Gly). This variant is not present in population databases (gnomAD no frequency). This variant has not been reported in the literature in individuals affected with MYOT-related conditions. ClinVar contains an entry for this variant (Variation ID: 1056349). An algorithm developed to predict the effect of missense changes on protein structure and function (PolyPhen-2) suggests that this variant is likely to be tolerated. In summary, the available evidence is currently insufficient to determine the role of this variant in disease. Therefore, it has been classified as a Variant of Uncertain Significance.

Revvity Omics, Revvity
Classification: Uncertain significance for Myofibrillar myopathy 3. Last evaluated: 2019-06-06. Review status: criteria provided, single submitter. Criteria: ACMG Guidelines, 2015. Collection method: clinical testing. Allele origin: germline.

NM_006790.3(MYOT):c.151A>G (p.Arg51Gly)

Genes: PKD2L2-DT (PKD2L2 divergent transcript; minus strand), MYOT (myotilin; plus strand). Cytogenetic location: 5q31.2.
Variant type: single nucleotide variant.
Coding change: c.151A>G on transcript NM_006790.3 (MANE Select); coding-DNA position 151, A replaced by G.
Protein change: p.Arg51Gly; replaces arginine 51 with glycine.
Molecular consequence: missense variant. On other transcripts: intron variant (2).
Genome position (GRCh38, 1-based): chr5:137,870,802, A>G. VCF-style: chr5-137870802-A-G. GRCh37 (hg19) VCF-style: chr5-137206491-A-G.
Other names: c.151A>G (NM_006790.2); c.-120-75A>G (NM_001300911.2); c.-197+277A>G (NM_001135940.2); short protein forms R51G.
Identifiers: ClinVar variation 1056349 (VCV001056349.11), dbSNP rs2149978850, ClinGen allele CA361052697.
Genomic context (GRCh38, chr5:137,870,802, plus strand): 5'-TTCTCTAGCCAGACCAAACAGTCTTCCATTATCATCCAGCCCCGCCAGTGTACAGAGCAA[A>G]GATTTTCTGCCTCCTCAACACTGAGCTCTCACATCACCATGTCCTCCTCTGCTTTCCCTG-3'
Protein context (NP_006781.1, residues 41-61): IIQPRQCTEQ[Arg51Gly]FSASSTLSSH